The following is an entry in ClinVar:

NM_000093.5(COL5A1):c.3978A>T (p.Lys1326Asn)

Gene: COL5A1 (collagen type V alpha 1 chain; plus strand). Cytogenetic location: 9q34.3.
Variant type: single nucleotide variant.
Coding change: c.3978A>T on transcript NM_000093.5 (MANE Select); coding-DNA position 3978, A replaced by T.
Protein change: p.Lys1326Asn; replaces lysine 1326 with asparagine.
Molecular consequence: missense variant.
Genome position (GRCh38, 1-based): chr9:134,814,868, A>T. VCF-style: chr9-134814868-A-T. GRCh37 (hg19) VCF-style: chr9-137706714-A-T.
Other names: c.3978A>T, p.Lys1326Asn (NM_001278074.1); short protein forms K1326N.
Identifiers: ClinVar variation 4798530 (VCV004798530.1).
Genomic context (GRCh38, chr9:134,814,868, plus strand): 5'-AGAAAGGGGAGAGAAGGGCGAGTCAGGCCCTTCAGGTGCTGCCGGACCCCCTGGACCCAA[A>T]GGCCCTCCCGGAGATGATGGTCCCAAAGGCAGCCCTGTGAGTATTCCAGACACACCTCAG-3'
Protein context (NP_000084.3, residues 1316-1336): PSGAAGPPGP[Lys1326Asn]GPPGDDGPKG

ClinVar aggregate classification (germline): Uncertain significance (1 of 4 stars; one submission).

Conditions:
Ehlers-Danlos syndrome, classic type, 1 (EDSCL1). Also called: EHLERS-DANLOS SYNDROME, GRAVIS TYPE; EHLERS-DANLOS SYNDROME, SEVERE CLASSIC TYPE; Ehlers-Danlos syndrome, type 1; Ehlers-Danlos Syndrome, Classic Type, COL5A1-Related; EDS I. Identifiers: MedGen C0268335, MONDO:0019567, OMIM 130000.

Submission:

Labcorp Genetics (formerly Invitae), Labcorp
Classification: Uncertain significance for Ehlers-Danlos syndrome, classic type, 1. Last evaluated: 2025-12-20. Review status: criteria provided, single submitter. Criteria: Invitae Variant Classification Sherloc (09022015). Collection method: clinical testing. Allele origin: germline.
Comment: This sequence change replaces lysine, which is basic and polar, with asparagine, which is neutral and polar, at codon 1326 of the COL5A1 protein (p.Lys1326Asn). This variant is not present in population databases (gnomAD no frequency). This variant has not been reported in the literature in individuals affected with COL5A1-related conditions. Invitae Evidence Modeling of protein sequence and biophysical properties (such as structural, functional, and spatial information, amino acid conservation, physicochemical variation, residue mobility, and thermodynamic stability) has been performed for this missense variant. However, the output from this modeling did not meet the statistical confidence thresholds required to predict the impact of this variant on COL5A1 protein function. In summary, the available evidence is currently insufficient to determine the role of this variant in disease. Therefore, it has been classified as a Variant of Uncertain Significance.